The following is an entry in ClinVar:

ClinVar aggregate classification (germline): Uncertain significance (1 of 4 stars; one submission).

gnomAD v4.1: 13 of 1,614,216 alleles (0.00081%); highest among the groups gnomAD compares: Admixed American, 0.0083%; no homozygotes.

Submission:

Labcorp Genetics (formerly Invitae), Labcorp
Classification: Uncertain significance. Last evaluated: 2022-06-27. Review status: criteria provided, single submitter. Criteria: Invitae Variant Classification Sherloc (09022015). Collection method: clinical testing. Allele origin: germline.
Comment: In summary, the available evidence is currently insufficient to determine the role of this variant in disease. Therefore, it has been classified as a Variant of Uncertain Significance. Algorithms developed to predict the effect of missense changes on protein structure and function (SIFT, PolyPhen-2, Align-GVGD) all suggest that this variant is likely to be tolerated. This variant has not been reported in the literature in individuals affected with MERTK-related conditions. This variant is present in population databases (rs764637670, gnomAD 0.02%). This sequence change replaces valine, which is neutral and non-polar, with isoleucine, which is neutral and non-polar, at codon 78 of the MERTK protein (p.Val78Ile).

NM_006343.3(MERTK):c.232G>A (p.Val78Ile)

Gene: MERTK (MER proto-oncogene, tyrosine kinase; plus strand). Cytogenetic location: 2q13.
Variant type: single nucleotide variant.
Coding change: c.232G>A on transcript NM_006343.3 (MANE Select); coding-DNA position 232, G replaced by A.
Protein change: p.Val78Ile; replaces valine 78 with isoleucine.
Molecular consequence: missense variant.
Genome position (GRCh38, 1-based): chr2:111,929,290, G>A. VCF-style: chr2-111929290-G-A. GRCh37 (hg19) VCF-style: chr2-112686867-G-A.
Other names: short protein forms V78I.
Identifiers: ClinVar variation 1378699 (VCV001378699.5), dbSNP rs764637670, ClinGen allele CA1831002.
Genomic context (GRCh38, chr2:111,929,290, plus strand): 5'-GGGTACCAGCCTGCCTTGATGTTTTCACCAACCCAGCCTGGAAGACCACATACAGGAAAC[G>A]TAGCCATTCCCCAGGTGACCTCTGTCGAATCAAAGCCCCTACCGCCTCTTGCCTTCAAAC-3'
Protein context (NP_006334.2, residues 68-88): TQPGRPHTGN[Val78Ile]AIPQVTSVES